The following is an entry in ClinVar:

NM_001042492.3(NF1):c.8461G>A (p.Val2821Met)

Gene: NF1 (neurofibromin 1; plus strand). Cytogenetic location: 17q11.2.
Variant type: single nucleotide variant.
Coding change: c.8461G>A on transcript NM_001042492.3 (MANE Select); coding-DNA position 8461, G replaced by A.
Protein change: p.Val2821Met; replaces valine 2821 with methionine.
Molecular consequence: missense variant.
Genome position (GRCh38, 1-based): chr17:31,374,096, G>A. VCF-style: chr17-31374096-G-A. GRCh37 (hg19) VCF-style: chr17-29701114-G-A.
Other names: c.8398G>A, p.Val2800Met (NM_000267.4); short protein forms V2821M, V2800M.
Identifiers: ClinVar variation 567320 (VCV000567320.9), dbSNP rs1567634549, ClinGen allele CA399206022.

ClinVar aggregate classification (germline): Uncertain significance. Review status: criteria provided, multiple submitters, no conflicts (2 of 4 stars). 2 submissions from 2 submitters: Uncertain significance (2). Last evaluated 2025-03-23.

Conditions:
Hereditary cancer-predisposing syndrome. Also called: Neoplastic Syndromes, Hereditary; Tumor predisposition; Hereditary Cancer Syndrome; Hereditary neoplastic syndrome. Identifiers: Orphanet 140162, MedGen C0027672, MeSH D009386, MONDO:0015356.
Cardiovascular phenotype. Identifiers: MedGen CN230736.
Neurofibromatosis, type 1 (NF1). Also called: VON RECKLINGHAUSEN DISEASE; NEUROFIBROMATOSIS, TYPE I, SOMATIC; Peripheral type neurofibromatosis; Neurofibromatosis, type I. Identifiers: Orphanet 636, MedGen C0027831, MONDO:0018975, OMIM 162200. Disease mechanism: loss of function.

Submissions (2):

Labcorp Genetics (formerly Invitae), Labcorp
Classification: Uncertain significance for Neurofibromatosis, type 1. Last evaluated: 2025-03-23. Review status: criteria provided, single submitter. Criteria: Invitae Variant Classification Sherloc (09022015). Collection method: clinical testing. Allele origin: germline.
Comment: This sequence change replaces valine, which is neutral and non-polar, with methionine, which is neutral and non-polar, at codon 2800 of the NF1 protein (p.Val2800Met). This variant is not present in population databases (gnomAD no frequency). This variant has not been reported in the literature in individuals affected with NF1-related conditions. ClinVar contains an entry for this variant (Variation ID: 567320). Invitae Evidence Modeling of protein sequence and biophysical properties (such as structural, functional, and spatial information, amino acid conservation, physicochemical variation, residue mobility, and thermodynamic stability) has been performed for this missense variant. However, the output from this modeling did not meet the statistical confidence thresholds required to predict the impact of this variant on NF1 protein function. In summary, the available evidence is currently insufficient to determine the role of this variant in disease. Therefore, it has been classified as a Variant of Uncertain Significance.

Ambry Genetics
Classification: Uncertain significance for Cardiovascular phenotype; Hereditary cancer-predisposing syndrome. Last evaluated: 2023-11-30. Review status: criteria provided, single submitter. Criteria: Ambry Variant Classification Scheme 2023. Collection method: clinical testing. Allele origin: germline.
Comment: The p.V2800M variant (also known as c.8398G>A), located in coding exon 57 of the NF1 gene, results from a G to A substitution at nucleotide position 8398. The valine at codon 2800 is replaced by methionine, an amino acid with highly similar properties. This amino acid position is highly conserved in available vertebrate species. In addition, the in silico prediction for this alteration is inconclusive. Since supporting evidence is limited at this time, the clinical significance of this alteration remains unclear.